The following is an entry in ClinVar:

NM_144999.4(LRRC45):c.1809G>A (p.Gln603=)

Gene: LRRC45 (leucine rich repeat containing 45; plus strand). Cytogenetic location: 17q25.3.
Variant type: single nucleotide variant.
Coding change: c.1809G>A on transcript NM_144999.4 (MANE Select); coding-DNA position 1809, G replaced by A.
Protein change: p.Gln603=; no amino-acid change (glutamine 603 retained).
Molecular consequence: synonymous variant.
Genome position (GRCh38, 1-based): chr17:82,030,459, G>A. VCF-style: chr17-82030459-G-A. GRCh37 (hg19) VCF-style: chr17-79988335-G-A.
Identifiers: ClinVar variation 4979844 (VCV004979844.1).

ClinVar aggregate classification (germline): Likely benign (1 of 4 stars; one submission).

Conditions:
LRRC45-related disorder. Also called: LRRC45-related condition.

gnomAD v4.1: 337 of 1,544,424 alleles (0.022%); highest among the groups gnomAD compares: South Asian, 0.39%; 2 homozygotes.

Submission:

PreventionGenetics, part of Exact Sciences
Classification: Likely benign for LRRC45-related condition. Last evaluated: 2026-08-26. Review status: criteria provided, single submitter. Criteria: ACMG Guidelines, 2015. Collection method: clinical testing. Allele origin: germline.
Comment: This variant is classified as likely benign based on ACMG/AMP sequence variant interpretation guidelines (Richards et al. 2015 PMID: 25741868, with internal and published modifications).